The following is an entry in ClinVar:

ClinVar aggregate classification (germline): Uncertain significance (1 of 4 stars; one submission).

gnomAD v4.1: 1 of 1,614,086 alleles (0.000062%); highest among the groups gnomAD compares: Non-Finnish European, 0.000085%; no homozygotes.

Submission:

Labcorp Genetics (formerly Invitae), Labcorp
Classification: Uncertain significance. Last evaluated: 2023-12-11. Review status: criteria provided, single submitter. Criteria: Invitae Variant Classification Sherloc (09022015). Collection method: clinical testing. Allele origin: germline.
Comment: This sequence change replaces phenylalanine, which is neutral and non-polar, with tyrosine, which is neutral and polar, at codon 61 of the OR2W3 protein (p.Phe61Tyr). This variant is not present in population databases (gnomAD no frequency). This variant has not been reported in the literature in individuals affected with OR2W3-related conditions. An algorithm developed to predict the effect of missense changes on protein structure and function (PolyPhen-2) suggests that this variant is likely to be tolerated. In summary, the available evidence is currently insufficient to determine the role of this variant in disease. Therefore, it has been classified as a Variant of Uncertain Significance.

NM_001001957.2(OR2W3):c.182T>A (p.Phe61Tyr)

Gene: OR2W3 (olfactory receptor family 2 subfamily W member 3; plus strand). Cytogenetic location: 1q44.
Variant type: single nucleotide variant.
Coding change: c.182T>A on transcript NM_001001957.2 (MANE Select); coding-DNA position 182, T replaced by A.
Protein change: p.Phe61Tyr; replaces phenylalanine 61 with tyrosine.
Molecular consequence: missense variant.
Genome position (GRCh38, 1-based): chr1:247,895,768, T>A. VCF-style: chr1-247895768-T-A. GRCh37 (hg19) VCF-style: chr1-248059070-T-A.
Other names: short protein forms F61Y.
Identifiers: ClinVar variation 2781521 (VCV002781521.3), dbSNP rs762401907, ClinGen allele CA345591469.